The following is an entry in ClinVar:

ClinVar aggregate classification (germline): Likely benign (0 of 4 stars; one submission).

Conditions:
SLC6A8-related disorder. Also called: SLC6A8-related condition.

Submission:

PreventionGenetics, part of Exact Sciences
Classification: Likely benign for SLC6A8-related condition. Last evaluated: 2019-08-10. Review status: no assertion criteria provided. Collection method: clinical testing. Allele origin: germline.
Comment: This variant is classified as likely benign based on ACMG/AMP sequence variant interpretation guidelines (Richards et al. 2015 PMID: 25741868, with internal and published modifications).

NM_005629.4(SLC6A8):c.1767+8_1767+9insTCC

Gene: SLC6A8 (solute carrier family 6 member 8; plus strand). Cytogenetic location: Xq28.
Variant type: Insertion.
Coding change: c.1767+8_1767+9insTCC on transcript NM_005629.4 (MANE Select); bases 8 to 9 of the intron after coding-DNA position 1767, TCC inserted.
Molecular consequence: intron variant.
Genome position: GRCh38 VCF-style: chrX-153694897-T-TTCC. GRCh37 (hg19) VCF-style: chrX-152960352-T-TTCC.
Other names: c.1737+8_1737+9insTCC (NM_001142805.2); c.1422+8_1422+9insTCC (NM_001142806.1).
Identifiers: ClinVar variation 3034634 (VCV003034634.2), dbSNP rs2091480407, ClinGen allele CA2695040092.